The following is an entry in ClinVar:

ClinVar aggregate classification (germline): Uncertain significance (1 of 4 stars; one submission).

Submission:

CeGaT Center for Human Genetics Tuebingen
Classification: Uncertain significance. Last evaluated: 2023-03-01. Review status: criteria provided, single submitter. Criteria: CeGaT Center For Human Genetics Tuebingen Variant Classification Criteria Version 2. Collection method: clinical testing. Allele origin: germline. Affected: yes. Observed: 1 variant allele.
Comment: APOE: PM2, BP5

NM_000041.4(APOE):c.409C>G (p.Arg137Gly)

Gene: APOE (apolipoprotein E; plus strand). Cytogenetic location: 19q13.32.
Variant type: single nucleotide variant.
Coding change: c.409C>G on transcript NM_000041.4 (MANE Select); coding-DNA position 409, C replaced by G.
Protein change: p.Arg137Gly; replaces arginine 137 with glycine.
Molecular consequence: missense variant.
Genome position (GRCh38, 1-based): chr19:44,908,705, C>G. VCF-style: chr19-44908705-C-G. GRCh37 (hg19) VCF-style: chr19-45411962-C-G.
Other names: c.487C>G, p.Arg163Gly (NM_001302688.2); c.409C>G, p.Arg137Gly (NM_001302689.2, NM_001302690.2, NM_001302691.2); short protein forms R137G, R163G.
Identifiers: ClinVar variation 2498787 (VCV002498787.28), dbSNP rs573658040, ClinGen allele CA406303971.
Genomic context (GRCh38, chr19:44,908,705, plus strand): 5'-GCGGCGCAGGCCCGGCTGGGCGCGGACATGGAGGACGTGTGCGGCCGCCTGGTGCAGTAC[C>G]GCGGCGAGGTGCAGGCCATGCTCGGCCAGAGCACCGAGGAGCTGCGGGTGCGCCTCGCCT-3'
Protein context (NP_000032.1, residues 127-147): EDVCGRLVQY[Arg137Gly]GEVQAMLGQS